The following is an entry in ClinVar:

NM_032806.6(POMGNT2):c.158A>G (p.Tyr53Cys)

Gene: POMGNT2 (protein O-linked mannose N-acetylglucosaminyltransferase 2 (beta 1,4-); minus strand). Cytogenetic location: 3p22.1.
Variant type: single nucleotide variant.
Coding change: c.158A>G on transcript NM_032806.6 (MANE Select); coding-DNA position 158, A replaced by G.
Protein change: p.Tyr53Cys; replaces tyrosine 53 with cysteine.
Molecular consequence: missense variant.
Genome position (GRCh38, 1-based): chr3:43,081,274, T>C on the plus strand (A>G on the coding strand, the complement: POMGNT2 is on the minus strand). VCF-style: chr3-43081274-T-C. GRCh37 (hg19) VCF-style: chr3-43122766-T-C.
Other names: c.158A>G (NM_032806.5); short protein forms Y53C.
Identifiers: ClinVar variation 2541707 (VCV002541707.3), dbSNP rs770273388, ClinGen allele CA2340145.

ClinVar aggregate classification (germline): Uncertain significance. Review status: criteria provided, multiple submitters, no conflicts (2 of 4 stars). 2 submissions from 2 submitters: Uncertain significance (2). Last evaluated 2024-02-13.

Conditions:
Inborn genetic diseases. Identifiers: MedGen C0950123, MeSH D030342.

Allele frequency attached by ClinVar (database versions not stated): ExAC 0.00002; gnomAD 0.00002; TOPMed 0.00002; gnomAD exomes 0.00004.
gnomAD v4.1: 63 of 1,613,178 alleles (0.0039%); highest among the groups gnomAD compares: Non-Finnish European, 0.0053%; no homozygotes.

Submissions (2):

GeneDx
Classification: Uncertain significance. Last evaluated: 2024-02-13. Review status: criteria provided, single submitter. Criteria: GeneDx Variant Classification Process June 2021. Collection method: clinical testing. Allele origin: germline. Affected: yes.
Comment: Not observed at significant frequency in large population cohorts (gnomAD); In silico analysis supports that this missense variant does not alter protein structure/function; Has not been previously published as pathogenic or benign to our knowledge

Ambry Genetics
Classification: Uncertain significance for Inborn genetic diseases. Last evaluated: 2023-04-28. Review status: criteria provided, single submitter. Criteria: Ambry Variant Classification Scheme 2023. Collection method: clinical testing. Allele origin: germline.